The following is an entry in ClinVar:

ClinVar aggregate classification (germline): Uncertain significance (1 of 4 stars; one submission).

Conditions:
Inborn genetic diseases. Identifiers: MedGen C0950123, MeSH D030342.

Submission:

Ambry Genetics
Classification: Uncertain significance for Inborn genetic diseases. Last evaluated: 2025-08-29. Review status: criteria provided, single submitter. Criteria: Ambry Variant Classification Scheme 2023. Collection method: clinical testing. Allele origin: germline.
Comment: The p.S384T variant (also known as c.1150T>A), located in coding exon 8 of the MECOM gene, results from a T to A substitution at nucleotide position 1150. The serine at codon 384 is replaced by threonine, an amino acid with similar properties. This amino acid position is conserved. In addition, this alteration is predicted to be tolerated by in silico analysis. Based on the available evidence, the clinical significance of this variant remains unclear.

NM_004991.4(MECOM):c.1150T>A (p.Ser384Thr)

Gene: MECOM (MDS1 and EVI1 complex locus; minus strand). Cytogenetic location: 3q26.2.
Variant type: single nucleotide variant.
Coding change: c.1150T>A on transcript NM_004991.4 (MANE Select); coding-DNA position 1150, T replaced by A.
Protein change: p.Ser384Thr; replaces serine 384 with threonine.
Molecular consequence: missense variant. On other transcripts: intron variant (2).
Genome position (GRCh38, 1-based): chr3:169,116,722, A>T on the plus strand (T>A on the coding strand, the complement: MECOM is on the minus strand). VCF-style: chr3-169116722-A-T. GRCh37 (hg19) VCF-style: chr3-168834510-A-T.
Other names: c.781T>A, p.Ser261Thr (NM_001105077.4); c.586T>A, p.Ser196Thr (NM_001105078.4, NM_001164000.2, NM_001205194.2 and 4 more transcripts); c.589T>A, p.Ser197Thr (NM_001163999.2, NM_001366467.2, NM_001366468.2 and 1 more transcripts); c.1150T>A, p.Ser384Thr (NM_001366466.2); c.1133-955T>A (NM_001366473.2); c.569-955T>A (NM_001366474.2); short protein forms S384T, S196T, S261T, S197T.
Identifiers: ClinVar variation 4105881 (VCV004105881.1).